The following is an entry in ClinVar:

NM_001261826.3(AP3D1):c.761G>A (p.Arg254Gln)

Gene: AP3D1 (adaptor related protein complex 3 subunit delta 1; minus strand). Cytogenetic location: 19p13.3.
Variant type: single nucleotide variant.
Coding change: c.761G>A on transcript NM_001261826.3 (MANE Select); coding-DNA position 761, G replaced by A.
Protein change: p.Arg254Gln; replaces arginine 254 with glutamine.
Molecular consequence: missense variant.
Genome position (GRCh38, 1-based): chr19:2,129,135, C>T on the plus strand (G>A on the coding strand, the complement: AP3D1 is on the minus strand). VCF-style: chr19-2129135-C-T. GRCh37 (hg19) VCF-style: chr19-2129134-C-T.
Other names: c.761G>A, p.Arg254Gln (NM_001374799.1, NM_003938.8); short protein forms R254Q.
Identifiers: ClinVar variation 4779404 (VCV004779404.1).

ClinVar aggregate classification (germline): Uncertain significance (1 of 4 stars; one submission).

Submission:

Labcorp Genetics (formerly Invitae), Labcorp
Classification: Uncertain significance. Last evaluated: 2025-03-16. Review status: criteria provided, single submitter. Criteria: Invitae Variant Classification Sherloc (09022015). Collection method: clinical testing. Allele origin: germline.
Comment: This sequence change replaces arginine, which is basic and polar, with glutamine, which is neutral and polar, at codon 254 of the AP3D1 protein (p.Arg254Gln). This variant is not present in population databases (gnomAD no frequency). This missense change has been observed in individual(s) with AP3D1-related conditions (PMID: 31175295). An algorithm developed to predict the effect of missense changes on protein structure and function (PolyPhen-2) suggests that this variant is likely to be disruptive. In summary, the available evidence is currently insufficient to determine the role of this variant in disease. Therefore, it has been classified as a Variant of Uncertain Significance.

Literature cited by the submitters: PubMed 31175295.